The following is an entry in ClinVar:

NM_004357.5(CD151):c.145A>G (p.Ile49Val)

Gene: CD151 (CD151 molecule (Raph blood group); plus strand). Cytogenetic location: 11p15.5.
Variant type: single nucleotide variant.
Coding change: c.145A>G on transcript NM_004357.5 (MANE Select); coding-DNA position 145, A replaced by G.
Protein change: p.Ile49Val; replaces isoleucine 49 with valine.
Molecular consequence: missense variant.
Genome position (GRCh38, 1-based): chr11:836,311, A>G. VCF-style: chr11-836311-A-G. GRCh37 (hg19) VCF-style: chr11-836311-A-G.
Other names: c.145A>G (NM_004357.4); c.145A>G, p.Ile49Val (NM_001039490.2, NM_139029.2, NM_139030.4); short protein forms I49V.
Identifiers: ClinVar variation 1441699 (VCV001441699.11), dbSNP rs747742714, ClinGen allele CA5792077.

ClinVar aggregate classification (germline): Uncertain significance. Review status: criteria provided, multiple submitters, no conflicts (2 of 4 stars). 3 submissions from 3 submitters: Uncertain significance (3). Last evaluated 2026-03-17.

Conditions:
CD151-related disorder. Also called: CD151-related condition.
Inborn genetic diseases. Identifiers: MedGen C0950123, MeSH D030342.

Allele frequency attached by ClinVar (database versions not stated): gnomAD 0.00006; gnomAD exomes 0.00006 and 0.00010; TOPMed 0.00007; ExAC 0.00009.
gnomAD v4.1: 92 of 1,612,648 alleles (0.0057%); highest among the groups gnomAD compares: Admixed American, 0.04%; no homozygotes.

Submissions (3):

PreventionGenetics, part of Exact Sciences
Classification: Uncertain significance for CD151-related condition. Last evaluated: 2026-03-17. Review status: criteria provided, single submitter. Criteria: ACMG Guidelines, 2015. Collection method: clinical testing. Allele origin: germline.
Comment: The CD151 c.145A>G variant is predicted to result in the amino acid substitution p.Ile49Val. To our knowledge, this variant has not been reported in the literature. This variant is reported in 0.059% of alleles in individuals of Latino descent in gnomAD. Although we suspect that this variant may be benign, at this time, the clinical significance of this variant is uncertain due to the absence of conclusive functional and genetic evidence.

Labcorp Genetics (formerly Invitae), Labcorp
Classification: Uncertain significance. Last evaluated: 2026-01-06. Review status: criteria provided, single submitter. Criteria: Invitae Variant Classification Sherloc (09022015). Collection method: clinical testing. Allele origin: germline.
Comment: This sequence change replaces isoleucine, which is neutral and non-polar, with valine, which is neutral and non-polar, at codon 49 of the CD151 protein (p.Ile49Val). This variant is present in population databases (rs747742714, gnomAD 0.06%), and has an allele count higher than expected for a pathogenic variant. This variant has not been reported in the literature in individuals affected with CD151-related conditions. ClinVar contains an entry for this variant (Variation ID: 1441699). An algorithm developed to predict the effect of missense changes on protein structure and function (PolyPhen-2) suggests that this variant is likely to be tolerated. In summary, the available evidence is currently insufficient to determine the role of this variant in disease. Therefore, it has been classified as a Variant of Uncertain Significance.

Ambry Genetics
Classification: Uncertain significance for Inborn genetic diseases. Last evaluated: 2024-07-27. Review status: criteria provided, single submitter. Criteria: Ambry Variant Classification Scheme 2023. Collection method: clinical testing. Allele origin: germline.